The following is an entry in ClinVar:

NM_004380.3(CREBBP):c.4266C>G (p.Pro1422=)

Gene: CREBBP (CREB binding lysine acetyltransferase; minus strand). Cytogenetic location: 16p13.3.
Variant type: single nucleotide variant.
Coding change: c.4266C>G on transcript NM_004380.3 (MANE Select); coding-DNA position 4266, C replaced by G.
Protein change: p.Pro1422=; no amino-acid change (proline 1422 retained).
Molecular consequence: synonymous variant.
Genome position (GRCh38, 1-based): chr16:3,739,592, G>C on the plus strand (C>G on the coding strand, the complement: CREBBP is on the minus strand). VCF-style: chr16-3739592-G-C. GRCh37 (hg19) VCF-style: chr16-3789593-G-C.
Other names: c.4266C>G (NM_004380.2); c.4152C>G, p.Pro1384= (NM_001079846.1).
Identifiers: ClinVar variation 2070584 (VCV002070584.5), dbSNP rs794727402, ClinGen allele CA276982494.

ClinVar aggregate classification (germline): Likely benign. Review status: criteria provided, single submitter (1 of 4 stars). 2 submissions from 2 submitters: Likely benign (1). 1 of the submissions does not count toward it. Last evaluated 2024-10-24.

Conditions:
CREBBP-related disorder. Also called: CREBBP-related condition; CREBBP-related disorders.
Rubinstein-Taybi syndrome (RSTS). Identifiers: Orphanet 783, MedGen C0035934, MONDO:0019188.

Allele frequency attached by ClinVar (database versions not stated): TOPMed below 0.00001; gnomAD 0.00002.
gnomAD v4.1: 51 of 1,614,196 alleles (0.0032%); highest among the groups gnomAD compares: Non-Finnish European, 0.004%; no homozygotes.

Submissions (2):

Labcorp Genetics (formerly Invitae), Labcorp
Classification: Likely benign for Rubinstein-Taybi syndrome. Last evaluated: 2024-10-24. Review status: criteria provided, single submitter. Criteria: Invitae Variant Classification Sherloc (09022015). Collection method: clinical testing. Allele origin: germline.

PreventionGenetics, part of Exact Sciences
Classification: Likely benign for CREBBP-related condition. Last evaluated: 2024-06-08. Review status: no assertion criteria provided. Collection method: clinical testing. Allele origin: germline. Not counted in ClinVar's aggregate classification.
Comment: This variant is classified as likely benign based on ACMG/AMP sequence variant interpretation guidelines (Richards et al. 2015 PMID: 25741868, with internal and published modifications).